The following is an entry in ClinVar:

ClinVar aggregate classification (germline): Uncertain significance (1 of 4 stars; one submission).

Allele frequency attached by ClinVar (database versions not stated): ExAC 0.00001; gnomAD 0.00001; TOPMed 0.00002.
gnomAD v4.1: 16 of 1,613,992 alleles (0.00099%); highest among the groups gnomAD compares: Middle Eastern, 0.016%; no homozygotes.

Submission:

Labcorp Genetics (formerly Invitae), Labcorp
Classification: Uncertain significance. Last evaluated: 2024-04-29. Review status: criteria provided, single submitter. Criteria: Invitae Variant Classification Sherloc (09022015). Collection method: clinical testing. Allele origin: germline.
Comment: This sequence change replaces arginine, which is basic and polar, with glutamine, which is neutral and polar, at codon 42 of the SULF1 protein (p.Arg42Gln). This variant is present in population databases (rs771165384, gnomAD 0.003%). This variant has not been reported in the literature in individuals affected with SULF1-related conditions. An algorithm developed to predict the effect of missense changes on protein structure and function (PolyPhen-2) suggests that this variant is likely to be disruptive. In summary, the available evidence is currently insufficient to determine the role of this variant in disease. Therefore, it has been classified as a Variant of Uncertain Significance.

NM_001128205.2(SULF1):c.125G>A (p.Arg42Gln)

Gene: SULF1 (sulfatase 1; plus strand). Cytogenetic location: 8q13.2.
Variant type: single nucleotide variant.
Coding change: c.125G>A on transcript NM_001128205.2 (MANE Select); coding-DNA position 125, G replaced by A.
Protein change: p.Arg42Gln; replaces arginine 42 with glutamine.
Molecular consequence: missense variant. On other transcripts: 5 prime UTR variant (5), non-coding transcript variant (6).
Genome position (GRCh38, 1-based): chr8:69,564,100, G>A. VCF-style: chr8-69564100-G-A. GRCh37 (hg19) VCF-style: chr8-70476335-G-A.
Other names: c.125G>A, p.Arg42Gln (NM_001128204.2, NM_001128206.2, NM_001412828.1 and 19 more transcripts); c.-85G>A (NM_001412841.1, NM_001412842.1); c.-402G>A (NM_001412844.1, NM_001412845.1); c.-1577G>A (NM_001412846.1); short protein forms R42Q.
Identifiers: ClinVar variation 3021336 (VCV003021336.3), dbSNP rs771165384, ClinGen allele CA4775487.
Genomic context (GRCh38, chr8:69,564,100, plus strand): 5'-GTTCGACTGTCAGATCCCCGAGGTTCAGAGGACGGATACAGCAGGAACGAAAAAACATCC[G>A]ACCCAACATTATTCTTGTGCTTACCGATGATCAAGATGTGGAGCTGGGTGAGACACTGGA-3'
Protein context (NP_001121677.1, residues 32-52): GRIQQERKNI[Arg42Gln]PNIILVLTDD